The following is an entry in ClinVar:

ClinVar aggregate classification (germline): Uncertain significance. Review status: criteria provided, multiple submitters, no conflicts (2 of 4 stars). 2 submissions from 2 submitters: Uncertain significance (2). Last evaluated 2025-02-12.

Conditions:
Mowat-Wilson syndrome (MOWS). Also called: Classic Mowat-Wilson Syndrome. Identifiers: Orphanet 2152, MedGen C1856113, MONDO:0009341, OMIM 235730.

Submissions (2):

GeneDx
Classification: Uncertain significance. Last evaluated: 2025-02-12. Review status: criteria provided, single submitter. Criteria: GeneDx Variant Classification Process June 2021. Collection method: clinical testing. Allele origin: germline. Affected: yes.
Comment: Not observed at significant frequency in large population cohorts (gnomAD); In silico analysis indicates that this missense variant does not alter protein structure/function; Has not been previously published as pathogenic or benign to our knowledge; This variant is associated with the following publications: (PMID: 16053902)

Labcorp Genetics (formerly Invitae), Labcorp
Classification: Uncertain significance for Mowat-Wilson syndrome. Last evaluated: 2024-09-30. Review status: criteria provided, single submitter. Criteria: Invitae Variant Classification Sherloc (09022015). Collection method: clinical testing. Allele origin: germline.
Comment: This sequence change replaces lysine, which is basic and polar, with glutamic acid, which is acidic and polar, at codon 696 of the ZEB2 protein (p.Lys696Glu). This variant is not present in population databases (gnomAD no frequency). This variant has not been reported in the literature in individuals affected with ZEB2-related conditions. Invitae Evidence Modeling of protein sequence and biophysical properties (such as structural, functional, and spatial information, amino acid conservation, physicochemical variation, residue mobility, and thermodynamic stability) has been performed for this missense variant. However, the output from this modeling did not meet the statistical confidence thresholds required to predict the impact of this variant on ZEB2 protein function. In summary, the available evidence is currently insufficient to determine the role of this variant in disease. Therefore, it has been classified as a Variant of Uncertain Significance.

NM_014795.4(ZEB2):c.2086A>G (p.Lys696Glu)

Gene: ZEB2 (zinc finger E-box binding homeobox 2; minus strand). Cytogenetic location: 2q22.3.
Variant type: single nucleotide variant.
Coding change: c.2086A>G on transcript NM_014795.4 (MANE Select); coding-DNA position 2086, A replaced by G.
Protein change: p.Lys696Glu; replaces lysine 696 with glutamic acid.
Molecular consequence: missense variant.
Genome position (GRCh38, 1-based): chr2:144,399,101, T>C on the plus strand (A>G on the coding strand, the complement: ZEB2 is on the minus strand). VCF-style: chr2-144399101-T-C. GRCh37 (hg19) VCF-style: chr2-145156668-T-C.
Other names: c.2086A>G (NM_014795.3); c.2014A>G, p.Lys672Glu (NM_001171653.2); short protein forms K696E, K672E.
Identifiers: ClinVar variation 3655111 (VCV003655111.3).